The following is an entry in ClinVar:

NM_004006.3(DMD):c.1494A>C (p.Glu498Asp)

Gene: DMD (dystrophin; minus strand). Cytogenetic location: Xp21.1.
Variant type: single nucleotide variant.
Coding change: c.1494A>C on transcript NM_004006.3 (MANE Select); coding-DNA position 1494, A replaced by C.
Protein change: p.Glu498Asp; replaces glutamic acid 498 with aspartic acid.
Molecular consequence: missense variant.
Genome position (GRCh38, 1-based): chrX:32,595,865, T>G on the plus strand (A>C on the coding strand, the complement: DMD is on the minus strand). VCF-style: chrX-32595865-T-G. GRCh37 (hg19) VCF-style: chrX-32613982-T-G.
Other names: c.1470A>C, p.Glu490Asp (NM_000109.4); c.1482A>C, p.Glu494Asp (NM_004009.3); c.1125A>C, p.Glu375Asp (NM_004010.3); short protein forms E490D, E494D, E498D, E375D.
Identifiers: ClinVar variation 2078414 (VCV002078414.4), dbSNP rs2518924438, ClinGen allele CA412665765.
Genomic context (GRCh38, chrX:32,595,865, plus strand): 5'-ATCAACTACCACCACCATGTGAGTGAGAGAATTGACCCTGACTTGTTCTTGTTCTAGATC[T>G]TCTTGAAGCACCTGAAAGATAAAATGTTTTAAAGGAAATTAAAATGATATTCTTACATGT-3'
Protein context (NP_003997.2, residues 488-508): RQVQQHKVLQ[Glu498Asp]DLEQEQVRVN

ClinVar aggregate classification (germline): Uncertain significance (1 of 4 stars; one submission).

Conditions:
Duchenne muscular dystrophy (DMD). Also called: MUSCULAR DYSTROPHY, PSEUDOHYPERTROPHIC PROGRESSIVE, DUCHENNE TYPE; Duchenne Muscular Dystrophy (DMD). Identifiers: Orphanet 98896, MedGen C0013264, MONDO:0010679, OMIM 310200.

Submission:

Labcorp Genetics (formerly Invitae), Labcorp
Classification: Uncertain significance for Duchenne muscular dystrophy. Last evaluated: 2022-01-11. Review status: criteria provided, single submitter. Criteria: Invitae Variant Classification Sherloc (09022015). Collection method: clinical testing. Allele origin: germline.
Comment: Algorithms developed to predict the effect of missense changes on protein structure and function are either unavailable or do not agree on the potential impact of this missense change (SIFT: "Tolerated"; PolyPhen-2: "Possibly Damaging"; Align-GVGD: "Class C0"). This sequence change replaces glutamic acid, which is acidic and polar, with aspartic acid, which is acidic and polar, at codon 498 of the DMD protein (p.Glu498Asp). This variant is not present in population databases (gnomAD no frequency). This variant has not been reported in the literature in individuals affected with DMD-related conditions. In summary, the available evidence is currently insufficient to determine the role of this variant in disease. Therefore, it has been classified as a Variant of Uncertain Significance.